The following is an entry in ClinVar:

NM_001366385.1(CARD14):c.2806A>G (p.Lys936Glu)

Genes: CARD14 (caspase recruitment domain family member 14; plus strand), SGSH (N-sulfoglucosamine sulfohydrolase; minus strand). Cytogenetic location: 17q25.3.
Variant type: single nucleotide variant.
Coding change: c.2806A>G on transcript NM_001366385.1 (MANE Select); coding-DNA position 2806, A replaced by G.
Protein change: p.Lys936Glu; replaces lysine 936 with glutamic acid.
Molecular consequence: missense variant. On other transcripts: non-coding transcript variant (1).
Genome position (GRCh38, 1-based): chr17:80,207,084, A>G. VCF-style: chr17-80207084-A-G. GRCh37 (hg19) VCF-style: chr17-78180883-A-G.
Other names: c.2806A>G, p.Lys936Glu (NM_024110.4); short protein forms K936E.
Identifiers: ClinVar variation 1308169 (VCV001308169.2), dbSNP rs2144609659, ClinGen allele CA401357104.

ClinVar aggregate classification (germline): Uncertain significance (1 of 4 stars; one submission).

Submission:

GeneDx
Classification: Uncertain significance. Last evaluated: 2019-09-09. Review status: criteria provided, single submitter. Criteria: GeneDx Variant Classification Process June 2021. Collection method: clinical testing. Allele origin: germline. Affected: yes.
Comment: Not observed in large population cohorts (Lek et al., 2016); In silico analysis, which includes protein predictors and evolutionary conservation, supports that this variant does not alter protein structure/function; However, in silico analysis using splice predictors, supports a deleterious effect; Has not been previously published as pathogenic or benign to our knowledge